The following is an entry in ClinVar:

NM_001369.3(DNAH5):c.325A>T (p.Lys109Ter)

Gene: DNAH5 (dynein axonemal heavy chain 5; minus strand). Cytogenetic location: 5p15.2.
Variant type: single nucleotide variant.
Coding change: c.325A>T on transcript NM_001369.3 (MANE Select); coding-DNA position 325, A replaced by T.
Protein change: p.Lys109Ter; replaces lysine 109 with a stop codon.
Molecular consequence: nonsense.
Genome position (GRCh38, 1-based): chr5:13,923,393, T>A on the plus strand (A>T on the coding strand, the complement: DNAH5 is on the minus strand). VCF-style: chr5-13923393-T-A. GRCh37 (hg19) VCF-style: chr5-13923502-T-A.
Other names: short protein forms K109*.
Identifiers: ClinVar variation 2726717 (VCV002726717.3), dbSNP rs2547160581, ClinGen allele CA359224062.
Genomic context (GRCh38, chr5:13,923,393, plus strand): 5'-ACACACATACCCCAGTAAGAGCCACATCGTTTCCCTCGGTCACGAACACCTTAGGTTTTT[T>A]AATCTTTCCAGAAACAAGATTTACCCCTCCTAGAGAGCCAAGTTGTCCTACAAAAGCAAA-3'

ClinVar aggregate classification (germline): Pathogenic (1 of 4 stars; one submission).

Conditions:
Primary ciliary dyskinesia. Also called: Ciliary dyskinesia. Identifiers: Orphanet 244, MedGen C0008780, MONDO:0016575, HP:0012265.

Submission:

Labcorp Genetics (formerly Invitae), Labcorp
Classification: Pathogenic for Primary ciliary dyskinesia. Last evaluated: 2023-01-05. Review status: criteria provided, single submitter. Criteria: Invitae Variant Classification Sherloc (09022015). Collection method: clinical testing. Allele origin: germline.
Comment: For these reasons, this variant has been classified as Pathogenic. Algorithms developed to predict the effect of sequence changes on RNA splicing suggest that this variant may create or strengthen a splice site. This variant has not been reported in the literature in individuals affected with DNAH5-related conditions. This variant is not present in population databases (gnomAD no frequency). This sequence change creates a premature translational stop signal (p.Lys109*) in the DNAH5 gene. It is expected to result in an absent or disrupted protein product. Loss-of-function variants in DNAH5 are known to be pathogenic (PMID: 11788826, 16627867).

Literature cited by the submitters: PubMed 11788826; PubMed 16627867.